The following is an entry in ClinVar:

ClinVar aggregate classification (germline): Likely pathogenic (1 of 4 stars; one submission).

Conditions:
Hypohidrotic X-linked ectodermal dysplasia (XHED). Also called: ECTODERMAL DYSPLASIA, HYPOHIDROTIC, 1; CST SYNDROME; Ectodermal Dysplasia 1, Anhidrotic; ECTODERMAL DYSPLASIA 1, HYPOHIDROTIC/HAIR/TOOTH TYPE, X-LINKED; ECTODERMAL DYSPLASIA 1; Christ-Siemans-Touraine syndrome. Identifiers: Orphanet 181, Orphanet 238468, MedGen C0162359, MONDO:0010585, OMIM 305100.

Submission:

Labcorp Genetics (formerly Invitae), Labcorp
Classification: Likely pathogenic for Hypohidrotic X-linked ectodermal dysplasia. Last evaluated: 2023-10-09. Review status: criteria provided, single submitter. Criteria: Invitae Variant Classification Sherloc (09022015). Collection method: clinical testing. Allele origin: germline.
Comment: This sequence change replaces proline, which is neutral and non-polar, with serine, which is neutral and polar, at codon 209 of the EDA protein (p.Pro209Ser). This variant is not present in population databases (gnomAD no frequency). This missense change has been observed in individual(s) with ectodermal dysplasia (Invitae). Advanced modeling of protein sequence and biophysical properties (such as structural, functional, and spatial information, amino acid conservation, physicochemical variation, residue mobility, and thermodynamic stability) performed at Invitae indicates that this missense variant is expected to disrupt EDA protein function. This variant disrupts the p.Pro209 amino acid residue in EDA. Other variant(s) that disrupt this residue have been determined to be pathogenic (PMID: 9683615; Invitae). This suggests that this residue is clinically significant, and that variants that disrupt this residue are likely to be disease-causing. In summary, the currently available evidence indicates that the variant is pathogenic, but additional data are needed to prove that conclusively. Therefore, this variant has been classified as Likely Pathogenic.

Literature cited by the submitters: PubMed 9683615.

NM_001399.5(EDA):c.625C>T (p.Pro209Ser)

Gene: EDA (ectodysplasin A; plus strand). Cytogenetic location: Xq13.1.
Variant type: single nucleotide variant.
Coding change: c.625C>T on transcript NM_001399.5 (MANE Select); coding-DNA position 625, C replaced by T.
Protein change: p.Pro209Ser; replaces proline 209 with serine.
Molecular consequence: missense variant.
Genome position (GRCh38, 1-based): chrX:70,027,955, C>T. VCF-style: chrX-70027955-C-T. GRCh37 (hg19) VCF-style: chrX-69247805-C-T.
Other names: c.625C>T, p.Pro209Ser (NM_001005609.2, NM_001005612.3); short protein forms P209S.
Identifiers: ClinVar variation 2853402 (VCV002853402.3), dbSNP rs2520335042, ClinGen allele CA413448374.